The following is an entry in ClinVar:

NM_001303052.2(MYT1L):c.647C>T (p.Ala216Val)

Gene: MYT1L (myelin transcription factor 1 like; minus strand). Cytogenetic location: 2p25.3.
Variant type: single nucleotide variant.
Coding change: c.647C>T on transcript NM_001303052.2 (MANE Select); coding-DNA position 647, C replaced by T.
Protein change: p.Ala216Val; replaces alanine 216 with valine.
Molecular consequence: missense variant.
Genome position (GRCh38, 1-based): chr2:1,923,122, G>A on the plus strand (C>T on the coding strand, the complement: MYT1L is on the minus strand). VCF-style: chr2-1923122-G-A. GRCh37 (hg19) VCF-style: chr2-1926894-G-A.
Other names: c.647C>T, p.Ala216Val (NM_001329844.2, NM_001329845.1, NM_001329846.3 and 6 more transcripts); short protein forms A216V.
Identifiers: ClinVar variation 4690190 (VCV004690190.1).
Genomic context (GRCh38, chr2:1,923,122, plus strand): 5'-TCGTCTTCCAGACTATTGGAGGTATTGCTGTTCATTTCTGACTCAGTCCTGGCCCGGTAG[G>A]CTGCATCCTCAGCGATTTTGCCGAGGTTTAACAATGACTTGGCCACCAGTTCATCGTAAT-3'
Protein context (NP_001289981.1, residues 206-226): LNLGKIAEDA[Ala216Val]YRARTESEMN

ClinVar aggregate classification (germline): Uncertain significance (1 of 4 stars; one submission).

Submission:

GeneDx
Classification: Uncertain significance. Last evaluated: 2025-08-01. Review status: criteria provided, single submitter. Criteria: GeneDx Variant Classification Process June 2021. Collection method: clinical testing. Allele origin: germline. Affected: yes.
Comment: Not observed at significant frequency in large population cohorts (gnomAD); In silico analysis suggests that this missense variant does not alter protein structure/function; Has not been previously published as pathogenic or benign to our knowledge